The following is an entry in ClinVar:

NM_003036.4(SKI):c.1406C>T (p.Ala469Val)

Gene: SKI (SKI proto-oncogene; plus strand). Cytogenetic location: 1p36.32.
Variant type: single nucleotide variant.
Coding change: c.1406C>T on transcript NM_003036.4 (MANE Select); coding-DNA position 1406, C replaced by T.
Protein change: p.Ala469Val; replaces alanine 469 with valine.
Molecular consequence: missense variant.
Genome position (GRCh38, 1-based): chr1:2,304,034, C>T. VCF-style: chr1-2304034-C-T. GRCh37 (hg19) VCF-style: chr1-2235473-C-T.
Other names: short protein forms A469V.
Identifiers: ClinVar variation 532216 (VCV000532216.11), dbSNP rs746659856, ClinGen allele CA536701.

ClinVar aggregate classification (germline): Conflicting classifications of pathogenicity. Review status: criteria provided, conflicting classifications (1 of 4 stars). 2 submissions from 2 submitters: Uncertain significance (1); Likely benign (1). Last evaluated 2025-07-02.

Conditions:
Shprintzen-Goldberg syndrome (SGS). Also called: SHPRINTZEN-GOLDBERG CRANIOSYNOSTOSIS SYNDROME; CRANIOSYNOSTOSIS WITH ARACHNODACTYLY AND ABDOMINAL HERNIAS; Marfanoid disorder with craniosynostosis type 1; Marfanoid craniosynostosis syndrome; Shprintzen-Goldberg marfanoid syndrome. Identifiers: Orphanet 2462, MedGen C1321551, MONDO:0008426, OMIM 182212.

Allele frequency attached by ClinVar (database versions not stated): gnomAD 0.00003 and 0.00004; ExAC 0.00005; TOPMed 0.00002; gnomAD exomes 0.00005.
gnomAD v4.1: 46 of 1,612,252 alleles (0.0029%); highest among the groups gnomAD compares: Admixed American, 0.018%; no homozygotes.

Submissions (2):

Labcorp Genetics (formerly Invitae), Labcorp
Classification: Likely benign for Shprintzen-Goldberg syndrome. Last evaluated: 2025-07-02. Review status: criteria provided, single submitter. Criteria: Invitae Variant Classification Sherloc (09022015). Collection method: clinical testing. Allele origin: germline.

GeneDx
Classification: Uncertain significance. Last evaluated: 2023-03-27. Review status: criteria provided, single submitter. Criteria: GeneDx Variant Classification Process June 2021. Collection method: clinical testing. Allele origin: germline. Affected: yes.
Comment: Has not been previously published as pathogenic or benign to our knowledge; In silico analysis supports that this missense variant does not alter protein structure/function